The following is an entry in ClinVar:

NM_001142864.4(PIEZO1):c.6787G>A (p.Glu2263Lys)

Gene: PIEZO1 (piezo type mechanosensitive ion channel component 1 (Er blood group); minus strand). Cytogenetic location: 16q24.3.
Variant type: single nucleotide variant.
Coding change: c.6787G>A on transcript NM_001142864.4 (MANE Select); coding-DNA position 6787, G replaced by A.
Protein change: p.Glu2263Lys; replaces glutamic acid 2263 with lysine.
Molecular consequence: missense variant.
Genome position (GRCh38, 1-based): chr16:88,716,698, C>T on the plus strand (G>A on the coding strand, the complement: PIEZO1 is on the minus strand). VCF-style: chr16-88716698-C-T. GRCh37 (hg19) VCF-style: chr16-88783106-C-T.
Other names: c.6787G>A (NM_001142864.2); short protein forms E2263K.
Identifiers: ClinVar variation 4704823 (VCV004704823.2).
Genomic context (GRCh38, chr16:88,716,698, plus strand): 5'-GGGGACTGATGCGCCACAGCGCCCCGGAGCTGCCCTCAATCTGCGCCGTGACGATGTCCT[C>T]AGGGCTGTACTGGCTGATGAACTGCATGGCCAGCTGGGTACAAGTGACACCCTCAGTGAC-3'
Protein context (NP_001136336.2, residues 2253-2273): AMQFISQYSP[Glu2263Lys]DIVTAQIEGS

ClinVar aggregate classification (germline): Conflicting classifications of pathogenicity. Review status: criteria provided, conflicting classifications (1 of 4 stars). 2 submissions from 2 submitters: Uncertain significance (1); Benign (1). Last evaluated 2026-06-09.

Conditions:
Inborn genetic diseases. Identifiers: MedGen C0950123, MeSH D030342.

gnomAD v4.1: 2 of 1,548,666 alleles (0.00013%); highest among the groups gnomAD compares: Admixed American, 0.002%; no homozygotes.

Submissions (2):

Ambry Genetics
Classification: Uncertain significance for Inborn genetic diseases. Last evaluated: 2026-06-09. Review status: criteria provided, single submitter. Criteria: Ambry Variant Classification Scheme 2023. Collection method: clinical testing. Allele origin: germline.
Comment: The c.6787G>A (p.E2263K) alteration is located in exon 47 (coding exon 47) of the PIEZO1 gene. This alteration results from a G to A substitution at nucleotide position 6787, causing the glutamic acid (E) at amino acid position 2263 to be replaced by a lysine (K). Based on data from gnomAD, the A allele has an overall frequency of 0.001% (1/152686) total alleles studied. The highest observed frequency was 0.004% (1/24672) of Latino alleles. Based on insufficient or conflicting evidence, the clinical significance of this alteration remains unclear.

Labcorp Genetics (formerly Invitae), Labcorp
Classification: Benign. Last evaluated: 2025-01-31. Review status: criteria provided, single submitter. Criteria: Invitae Variant Classification Sherloc (09022015). Collection method: clinical testing. Allele origin: germline.